The following is an entry in ClinVar:

NM_004320.6(ATP2A1):c.1112A>C (p.Lys371Thr)

Gene: ATP2A1 (ATPase sarcoplasmic/endoplasmic reticulum Ca2+ transporting 1; plus strand). Cytogenetic location: 16p11.2.
Variant type: single nucleotide variant.
Coding change: c.1112A>C on transcript NM_004320.6 (MANE Select); coding-DNA position 1112, A replaced by C.
Protein change: p.Lys371Thr; replaces lysine 371 with threonine.
Molecular consequence: missense variant.
Genome position (GRCh38, 1-based): chr16:28,894,171, A>C. VCF-style: chr16-28894171-A-C. GRCh37 (hg19) VCF-style: chr16-28905492-A-C.
Other names: c.737A>C, p.Lys246Thr (NM_001286075.2); c.1112A>C, p.Lys371Thr (NM_173201.5); short protein forms K371T, K246T.
Identifiers: ClinVar variation 1959962 (VCV001959962.5), dbSNP rs2506314603, ClinGen allele CA395406639.

ClinVar aggregate classification (germline): Uncertain significance (1 of 4 stars; one submission).

Conditions:
Brody myopathy. Also called: BRODY DISEASE. Identifiers: Orphanet 53347, MedGen C1832918, MONDO:0010977, OMIM 601003.

Submission:

Labcorp Genetics (formerly Invitae), Labcorp
Classification: Uncertain significance for Brody myopathy. Last evaluated: 2022-01-28. Review status: criteria provided, single submitter. Criteria: Invitae Variant Classification Sherloc (09022015). Collection method: clinical testing. Allele origin: germline.
Comment: In summary, the available evidence is currently insufficient to determine the role of this variant in disease. Therefore, it has been classified as a Variant of Uncertain Significance. Algorithms developed to predict the effect of missense changes on protein structure and function (SIFT, PolyPhen-2, Align-GVGD) all suggest that this variant is likely to be tolerated. This variant has not been reported in the literature in individuals affected with ATP2A1-related conditions. This variant is not present in population databases (gnomAD no frequency). This sequence change replaces lysine, which is basic and polar, with threonine, which is neutral and polar, at codon 371 of the ATP2A1 protein (p.Lys371Thr).